The following is an entry in ClinVar:

ClinVar aggregate classification (germline): Uncertain significance (1 of 4 stars; one submission).

Conditions:
Autosomal recessive spastic paraplegia type 78. Identifiers: Orphanet 513436, MedGen C5567893, MONDO:0014975, OMIM 617225.
Kufor-Rakeb syndrome (KRS). Also called: PARKINSON DISEASE 9, AUTOSOMAL RECESSIVE, JUVENILE-ONSET. Identifiers: Orphanet 306674, Orphanet 314632, MedGen C1847640, MONDO:0011706, OMIM 606693.

Submission:

Labcorp Genetics (formerly Invitae), Labcorp
Classification: Uncertain significance for Kufor-Rakeb syndrome; Autosomal recessive spastic paraplegia type 78. Last evaluated: 2022-08-09. Review status: criteria provided, single submitter. Criteria: Invitae Variant Classification Sherloc (09022015). Collection method: clinical testing. Allele origin: germline.
Comment: This sequence change replaces serine, which is neutral and polar, with asparagine, which is neutral and polar, at codon 562 of the ATP13A2 protein (p.Ser562Asn). This variant is not present in population databases (gnomAD no frequency). This variant has not been reported in the literature in individuals affected with ATP13A2-related conditions. ClinVar contains an entry for this variant (Variation ID: 1409628). Advanced modeling of protein sequence and biophysical properties (such as structural, functional, and spatial information, amino acid conservation, physicochemical variation, residue mobility, and thermodynamic stability) performed at Invitae indicates that this missense variant is not expected to disrupt ATP13A2 protein function. In summary, the available evidence is currently insufficient to determine the role of this variant in disease. Therefore, it has been classified as a Variant of Uncertain Significance.

NM_022089.4(ATP13A2):c.1685G>A (p.Ser562Asn)

Gene: ATP13A2 (ATPase cation transporting 13A2; minus strand). Cytogenetic location: 1p36.13.
Variant type: single nucleotide variant.
Coding change: c.1685G>A on transcript NM_022089.4 (MANE Select); coding-DNA position 1685, G replaced by A.
Protein change: p.Ser562Asn; replaces serine 562 with asparagine.
Molecular consequence: missense variant.
Genome position (GRCh38, 1-based): chr1:16,993,693, C>T on the plus strand (G>A on the coding strand, the complement: ATP13A2 is on the minus strand). VCF-style: chr1-16993693-C-T. GRCh37 (hg19) VCF-style: chr1-17320188-C-T.
Other names: c.1670G>A, p.Ser557Asn (NM_001141973.3, NM_001141974.3); short protein forms S557N, S562N.
Identifiers: ClinVar variation 1409628 (VCV001409628.6), dbSNP rs2100815818, ClinGen allele CA338248308.